The following is an entry in ClinVar:

NM_001368397.1(FRMPD4):c.2243C>G (p.Ala748Gly)

Gene: FRMPD4 (FERM and PDZ domain containing 4; plus strand). Cytogenetic location: Xp22.2.
Variant type: single nucleotide variant.
Coding change: c.2243C>G on transcript NM_001368397.1 (MANE Select); coding-DNA position 2243, C replaced by G.
Protein change: p.Ala748Gly; replaces alanine 748 with glycine.
Molecular consequence: missense variant.
Genome position (GRCh38, 1-based): chrX:12,716,702, C>G. VCF-style: chrX-12716702-C-G. GRCh37 (hg19) VCF-style: chrX-12734821-C-G.
Other names: c.2354C>G, p.Ala785Gly (NM_001368395.3, NM_001368398.3); c.2249C>G, p.Ala750Gly (NM_001368396.3); c.2234C>G, p.Ala745Gly (NM_001368399.3); c.2123C>G, p.Ala708Gly (NM_001368400.3); c.2219C>G, p.Ala740Gly (NM_001368401.1, NM_001368402.3); c.2243C>G, p.Ala748Gly (NM_014728.3); short protein forms A708G, A750G, A748G, A745G, A785G, A740G.
Identifiers: ClinVar variation 2204416 (VCV002204416.27), dbSNP rs370344979, ClinGen allele CA10349429.
Genomic context (GRCh38, chrX:12,716,702, plus strand): 5'-CGGAGGGGATCGAGGAACCCCTCTTGCATGACATCTGTTATGCAGAAAACACTGATGACG[C>G]GGAGGACGAGGACGAGGTGAGCTGCGAGGAGGACCTCGTGGTGGGGGAGATGAACCAGCC-3'
Protein context (NP_001355326.1, residues 738-758): DICYAENTDD[Ala748Gly]EDEDEVSCEE

ClinVar aggregate classification (germline): Likely benign. Review status: criteria provided, multiple submitters, no conflicts (2 of 4 stars). 3 submissions from 3 submitters: Likely benign (3). Last evaluated 2026-09-01.

Conditions:
Inborn genetic diseases. Identifiers: MedGen C0950123, MeSH D030342.

Allele frequency attached by ClinVar (database versions not stated): ESP Exome Variant Server 0.00009.
gnomAD v4.1: 135 of 1,209,680 alleles (0.011%); highest among the groups gnomAD compares: Middle Eastern, 0.18%; no homozygotes.

Submissions (3):

CeGaT Center for Human Genetics Tuebingen
Classification: Likely benign. Last evaluated: 2026-09-01. Review status: criteria provided, single submitter. Criteria: CeGaT Center For Human Genetics Tuebingen Variant Classification Criteria Version 2. Collection method: clinical testing. Allele origin: germline. Affected: yes. Observed: 3 variant alleles.
Comment: FRMPD4: BS2

Blueprint Genetics
Classification: Likely benign. Last evaluated: 2024-11-12. Review status: criteria provided, single submitter. Criteria: ACMG Guidelines, 2015. Collection method: clinical testing. Allele origin: germline.

Ambry Genetics
Classification: Likely benign for Inborn genetic diseases. Last evaluated: 2021-10-26. Review status: criteria provided, single submitter. Criteria: Ambry Variant Classification Scheme 2023. Collection method: clinical testing. Allele origin: germline.